The following is an entry in ClinVar:

ClinVar aggregate classification (germline): Benign (1 of 4 stars; one submission).

Conditions:
Birt-Hogg-Dube syndrome 1 (BHD1). Also called: FIBROFOLLICULOMAS WITH TRICHODISCOMAS AND ACROCHORDONS. Identifiers: Orphanet 122, MedGen CN375946, MONDO:0800445, OMIM 135150.

Submission:

Myriad Genetics, Inc.
Classification: Benign for Birt-Hogg-Dube syndrome 1. Last evaluated: 2024-10-22. Review status: criteria provided, single submitter. Criteria: Myriad Autosomal Dominant, Autosomal Recessive and X-Linked Classification Criteria (2023). Collection method: clinical testing. Allele origin: unknown.
Comment: This variant is considered benign. This variant is a silent/synonymous amino acid change and it is not expected to impact splicing.

NM_144997.7(FLCN):c.342C>T (p.His114=)

Gene: FLCN (folliculin; minus strand). Cytogenetic location: 17p11.2.
Variant type: single nucleotide variant.
Coding change: c.342C>T on transcript NM_144997.7 (MANE Select); coding-DNA position 342, C replaced by T.
Protein change: p.His114=; no amino-acid change (histidine 114 retained).
Molecular consequence: synonymous variant.
Genome position (GRCh38, 1-based): chr17:17,226,230, G>A on the plus strand (C>T on the coding strand, the complement: FLCN is on the minus strand). VCF-style: chr17-17226230-G-A. GRCh37 (hg19) VCF-style: chr17-17129544-G-A.
Other names: c.342C>T, p.His114= (NM_001353229.2, NM_001353230.2, NM_001353231.2 and 1 more transcripts).
Identifiers: ClinVar variation 3773305 (VCV003773305.1).